The following is an entry in ClinVar:

NM_000143.4(FH):c.157G>T (p.Glu53Ter)

Gene: FH (fumarate hydratase; minus strand). Cytogenetic location: 1q43.
Variant type: single nucleotide variant.
Coding change: c.157G>T on transcript NM_000143.4 (MANE Select); coding-DNA position 157, G replaced by T.
Protein change: p.Glu53Ter; replaces glutamic acid 53 with a stop codon.
Molecular consequence: nonsense.
Genome position (GRCh38, 1-based): chr1:241,517,292, C>A on the plus strand (G>T on the coding strand, the complement: FH is on the minus strand). VCF-style: chr1-241517292-C-A. GRCh37 (hg19) VCF-style: chr1-241680592-C-A.
Other names: short protein forms E53*.
Identifiers: ClinVar variation 393557 (VCV000393557.10), dbSNP rs863224013, ClinGen allele CA16609380.
Genomic context (GRCh38, chr1:241,517,292, plus strand): 5'-CGGTCTGGGCGCCATAATACTTATCATTTGGCACCTTTAGTTCACCAAAGGTATCATATT[C>A]TATCCGGAAGGAATTTTGGCTTGCCTAAAGACAAGAATACAACACTATTACAAGTTGAAA-3'

ClinVar aggregate classification (germline): Pathogenic. Review status: criteria provided, multiple submitters, no conflicts (2 of 4 stars). 4 submissions from 4 submitters: Pathogenic (2). 2 of the submissions do not count toward it. Last evaluated 2021-12-15.

Conditions:
Hereditary cancer-predisposing syndrome. Also called: Neoplastic Syndromes, Hereditary; Hereditary Cancer Syndrome; Hereditary neoplastic syndrome; Tumor predisposition. Identifiers: Orphanet 140162, MedGen C0027672, MeSH D009386, MONDO:0015356.
Hereditary leiomyomatosis and renal cell cancer. Also called: LEIOMYOMA, MULTIPLE CUTANEOUS; MULTIPLE CUTANEOUS AND UTERINE LEIOMYOMATA 1, WITH OR WITHOUT RENAL CELL CARCINOMA; Reed syndrome; Multiple cutaneous and uterine leiomyomatosis; Cutaneous leiomyomata with uterine leiomyomata; Leiomyoma, hereditary multiple, of skin. Identifiers: Orphanet 523, MedGen C1708350, MONDO:0007888, OMIM 150800, HP:0007437. Disease mechanism: loss of function.

Submissions (4):

Ambry Genetics
Classification: Pathogenic for Hereditary cancer-predisposing syndrome. Last evaluated: 2021-12-15. Review status: criteria provided, single submitter. Criteria: Ambry Variant Classification Scheme 2023. Collection method: clinical testing. Allele origin: germline.
Comment: The p.E53* pathogenic mutation (also known as c.157G>T), located in coding exon 2 of the FH gene, results from a G to T substitution at nucleotide position 157. This changes the amino acid from a glutamic acid to a stop codon within coding exon 2. This alteration has been observed in multiple individuals with a personal and/or family history that is consistent with FH-related disease (Smit DL et al. Clin Genet, 2011 Jan;79:49-59; Ambry internal data). In addition to the clinical data presented in the literature, this alteration is expected to result in loss of function by premature protein truncation or nonsense-mediated mRNA decay. As such, this alteration is interpreted as a disease-causing mutation.

Genomic Diagnostic Laboratory, Division of Genomic Diagnostics, Children's Hospital of Philadelphia
Classification: Pathogenic for Hereditary leiomyomatosis and renal cell cancer. Last evaluated: 2017-01-17. Review status: criteria provided, single submitter. Criteria: DGD Variant Analysis Guidelines. Collection method: clinical testing. Allele origin: germline. Affected: yes. Observed: 2 variant alleles.
Comment: Clinical Testing

Diagnostic Laboratory, Department of Genetics, University Medical Center Groningen
Classification: Pathogenic. Review status: no assertion criteria provided. Collection method: clinical testing. Allele origin: germline. Affected: yes. Study: VKGL Data-share Consensus. Not counted in ClinVar's aggregate classification.

Joint Genome Diagnostic Labs from Nijmegen and Maastricht, Radboudumc and MUMC+
Classification: Pathogenic. Review status: no assertion criteria provided. Collection method: clinical testing. Allele origin: germline. Affected: yes. Study: VKGL Data-share Consensus. Not counted in ClinVar's aggregate classification.

Literature cited by the submitters: PubMed 20618355 (cited by Ambry Genetics).